The following is an entry in ClinVar:

NC_000008.10:g.(?_11606408)_(11615984_?)del

Gene: GATA4 (GATA binding protein 4). Cytogenetic location: 8p23.1.
Variant type: Deletion.
Identifiers: ClinVar variation 1410553 (VCV001410553.6).

ClinVar aggregate classification (germline): Uncertain significance (1 of 4 stars; one submission).

Conditions:
Atrioventricular septal defect 4 (AVSD4). Identifiers: MedGen C3280781, MONDO:0013747, OMIM 614430.

Submission:

Labcorp Genetics (formerly Invitae), Labcorp
Classification: Uncertain significance for Atrioventricular septal defect 4. Last evaluated: 2021-07-13. Review status: criteria provided, single submitter. Criteria: Invitae Variant Classification Sherloc (09022015). Collection method: clinical testing. Allele origin: germline.
Comment: This variant is a gross deletion of the genomic region encompassing exon(s) 3-7 of the GATA4 gene. The 5' boundary is likely confined to intron 2. The 3' end of this event is unknown as it extends through the termination codon beyond the assayed region for this gene and may encompass additional genes. While this deletion is not anticipated to lead to nonsense mediated decay, it is expected to alter mRNA translation or result in a truncated protein product. This variant has not been reported in the literature in individuals with GATA4-related conditions. In summary, the available evidence is currently insufficient to determine the role of this variant in disease. Therefore, it has been classified as a Variant of Uncertain Significance.